The following is an entry in ClinVar:

ClinVar aggregate classification (germline): Likely pathogenic (1 of 4 stars; one submission).

Conditions:
Intellectual developmental disorder with dysmorphic facies and ptosis (IDDDFP). Identifiers: Orphanet 698090, MedGen C4310617, MONDO:0015022, OMIM 617333.

Submission:

Variantyx, Inc.
Classification: Likely pathogenic for Intellectual developmental disorder with dysmorphic facies and ptosis. Last evaluated: 2025-10-31. Review status: criteria provided, single submitter. Criteria: Variantyx Assertion Criteria 2022. Collection method: clinical testing. Allele origin: germline. Inheritance: Autosomal dominant inheritance. Affected: yes.
Comment: This is a nonsense variant in the BRPF1 gene (OMIM: 602410). Pathogenic variants in this gene have been associated with autosomal dominant intellectual developmental disorder with dysmorphic facies and ptosis. This variant introduces a premature termination codon in exon 6 out of 14and is expected to result in loss of function, which is a known disease mechanism for BRPF1 in this disorder (PMID: 27939639, 27939640) (PVS1). This variant is absent from control populations (PM2), and it has not been reported in individuals with BRPF1-related disorders in the databases available for review. Based on the current evidence, this variant is classified as likely pathogenic for autosomal dominant intellectual developmental disorder with dysmorphic facies and ptosis.

Literature cited by the submitters: PubMed 27939639; PubMed 27939640.

NM_001003694.2(BRPF1):c.1867C>T (p.Gln623Ter)

Gene: BRPF1 (bromodomain and PHD finger containing 1; plus strand). Cytogenetic location: 3p25.3.
Variant type: single nucleotide variant.
Coding change: c.1867C>T on transcript NM_001003694.2 (MANE Select); coding-DNA position 1867, C replaced by T.
Protein change: p.Gln623Ter; replaces glutamine 623 with a stop codon.
Molecular consequence: nonsense. On other transcripts: non-coding transcript variant (1).
Genome position (GRCh38, 1-based): chr3:9,742,037, C>T. VCF-style: chr3-9742037-C-T. GRCh37 (hg19) VCF-style: chr3-9783721-C-T.
Other names: c.1867C>T, p.Gln623Ter (NM_001319049.2, NM_001319050.2, NM_001410704.1 and 7 more transcripts); short protein forms Q623*.
Identifiers: ClinVar variation 4852243 (VCV004852243.1).